The following is an entry in ClinVar:

ClinVar aggregate classification (germline): Pathogenic (1 of 4 stars; one submission).

Submission:

Quest Diagnostics Nichols Institute San Juan Capistrano
Classification: Pathogenic. Last evaluated: 2022-06-07. Review status: criteria provided, single submitter. Criteria: ACMG/ClinGen CNV Guidelines, 2019. Collection method: clinical testing. Allele origin: unknown.
Comment: This large copy number loss of 9q33.2q33.3 is expected to cause phenotypic and/or developmental abnormalities. It involves numerous genes including NR5A1 (OMIM 184757) and LMX1B (OMIM 602575). Haploinsufficiency of LMX1B is associated with autosomal dominant nail-patella syndrome (OMIM 161200), while haploinsufficiency of NR5A1 have a role in both 46,XX and 46,XY sex reversal disorders (OMIM 617480, OMIM 612965) and in adrenal insufficiency and/or ovarian insufficiency (OMIM 612964).

GRCh37/hg19 9q33.2-33.3(chr9:124018736-129995568)x1

Genes: ADGRD2 (adhesion G protein-coupled receptor D2; plus strand), ANGPTL2 (angiopoietin like 2; minus strand), ARPC5L (actin related protein 2/3 complex subunit 5 like; plus strand), CRB2 (crumbs cell polarity complex component 2; plus strand), DAB2IP (DAB2 interacting protein; plus strand) and 56 more. Cytogenetic location: 9q33.2-33.3.
Variant type: copy number loss.
Change: copy number 1 (one copy instead of two) of chr9:124,018,736-129,995,568 (5.98 Mb, GRCh37 coordinates, 1-based), cytogenetic band 9q33.2-33.3.
Identifiers: ClinVar variation 1808695 (VCV001808695.1).